The following is an entry in ClinVar:

ClinVar aggregate classification (germline): Likely benign (1 of 4 stars; one submission).

Allele frequency attached by ClinVar (database versions not stated): ExAC 0.00012; gnomAD exomes 0.00019; gnomAD 0.00020; TOPMed 0.00031.
gnomAD v4.1: 312 of 1,613,930 alleles (0.019%); highest among the groups gnomAD compares: Admixed American, 0.035%; 1 homozygote.

Submission:

CeGaT Center for Human Genetics Tuebingen
Classification: Likely benign. Last evaluated: 2025-11-01. Review status: criteria provided, single submitter. Criteria: CeGaT Center For Human Genetics Tuebingen Variant Classification Criteria Version 2. Collection method: clinical testing. Allele origin: germline. Affected: yes. Observed: 2 variant alleles.
Comment: MDH1: BP4, BP7

NM_005917.4(MDH1):c.858C>T (p.Tyr286=)

Genes: MDH1 (malate dehydrogenase 1; plus strand), WDPCP (WD repeat containing planar cell polarity effector; minus strand). Cytogenetic location: 2p15.
Variant type: single nucleotide variant.
Coding change: c.858C>T on transcript NM_005917.4 (MANE Select); coding-DNA position 858, C replaced by T.
Protein change: p.Tyr286=; no amino-acid change (tyrosine 286 retained).
Molecular consequence: synonymous variant.
Genome position (GRCh38, 1-based): chr2:63,606,007, C>T. VCF-style: chr2-63606007-C-T. GRCh37 (hg19) VCF-style: chr2-63833141-C-T.
Other names: c.912C>T, p.Tyr304= (NM_001199111.2); c.591C>T, p.Tyr197= (NM_001199112.2); c.858C>T, p.Tyr286= (NM_001316374.2).
Identifiers: ClinVar variation 1879470 (VCV001879470.29), dbSNP rs774885809, ClinGen allele CA1682942.